The following is an entry in ClinVar:

NM_206933.4(USH2A):c.14483del (p.Pro4828fs)

Gene: USH2A (usherin; minus strand). Cytogenetic location: 1q41.
Variant type: Deletion.
Coding change: c.14483del on transcript NM_206933.4 (MANE Select); coding-DNA position 14483, one base deleted (C; older notation c.14483delC).
Protein change: p.Pro4828fs; shifts the reading frame from proline 4828.
Molecular consequence: frameshift variant.
Genome position (GRCh38, 1-based): chr1:215,648,627, G deleted on the plus strand (C on the coding strand, the reverse complement: USH2A is on the minus strand); the first of 4 consecutive G bases (chr1:215,648,627-215,648,630); deleting any one gives the same sequence. VCF-style (leftmost placement, unchanged base first): chr1-215648626-TG-T. GRCh37 (hg19) VCF-style: chr1-215821968-TG-T.
Other names: short protein forms P4828fs.
Identifiers: ClinVar variation 2100967 (VCV002100967.4), dbSNP rs2464815797, ClinGen allele CA2580062066.

ClinVar aggregate classification (germline): Pathogenic (1 of 4 stars; one submission).

Submission:

Labcorp Genetics (formerly Invitae), Labcorp
Classification: Pathogenic. Last evaluated: 2024-11-04. Review status: criteria provided, single submitter. Criteria: Invitae Variant Classification Sherloc (09022015). Collection method: clinical testing. Allele origin: germline.
Comment: This sequence change creates a premature translational stop signal (p.Pro4828Hisfs*56) in the USH2A gene. It is expected to result in an absent or disrupted protein product. Loss-of-function variants in USH2A are known to be pathogenic (PMID: 10729113, 10909849, 20507924, 25649381). This variant is not present in population databases (gnomAD no frequency). This variant has not been reported in the literature in individuals affected with USH2A-related conditions. ClinVar contains an entry for this variant (Variation ID: 2100967). For these reasons, this variant has been classified as Pathogenic.

Literature cited by the submitters: PubMed 10729113; PubMed 10909849; PubMed 20507924; PubMed 25649381.